The following is an entry in ClinVar:

ClinVar aggregate classification (germline): Pathogenic (1 of 4 stars; one submission).

Conditions:
CHARGE syndrome (CHARGE). Also called: Hittner Hirsch Kreh syndrome; CHARGE ASSOCIATION--COLOBOMA, HEART ANOMALY, CHOANAL ATRESIA, RETARDATION, GENITAL AND EAR ANOMALIES; Coloboma, heart anomaly, choanal atresia, retardation, genital and ear anomalies; CHARGE association; Hall-Hittner syndrome. Identifiers: Orphanet 138, MedGen C0265354, MONDO:0008965.

Submission:

New York Genome Center
Classification: Pathogenic for CHD7-related CHARGE syndrome. Last evaluated: 2022-02-24. Review status: criteria provided, single submitter. Criteria: NYGC Assertion Criteria 2020. Collection method: clinical testing. Allele origin: de novo. Affected: yes. Observed: 1 heterozygote. Study: PrenatalSEQ.
Comment: The c.6419_6423del variant has not previously been reported in the literature or public variant repositories (ClinVar and LOVD), and is absent from population databases (gnomAD v2.1.1 and v3.1.2, TOPMed Freeze 8) suggesting it is not a common benign variant in the populations represented in those databases. The c.6419_6423del variant is located in exon 31 of this 38-exon gene, predicted to result in a frameshift variant and incorporation of a premature termination codon (p.(Thr2140IlefsTer24)), and is expected to result in loss-of-function via nonsense mediated decay. Multiple loss-of-function variants that are downstream to the c.6419_6423del variant have been reported in the literature and ClinVar in individuals with CHARGE syndrome. Based on available evidence, this de novo c.6419_6423del variant is classified as Pathogenic.

NM_017780.4(CHD7):c.6419_6423del (p.Thr2140fs)

Gene: CHD7 (chromodomain helicase DNA binding protein 7; plus strand). Cytogenetic location: 8q12.2.
Variant type: Deletion.
Coding change: c.6419_6423del on transcript NM_017780.4 (MANE Select); coding-DNA positions 6419 to 6423, 5 bases deleted (CATCT; older notation c.6419_6423delCATCT).
Protein change: p.Thr2140fs; shifts the reading frame from threonine 2140.
Molecular consequence: frameshift variant. On other transcripts: intron variant (1).
Genome position (GRCh38, 1-based): chr8:60,853,144-60,853,148, CATCT deleted. VCF-style (leftmost placement, unchanged base first): chr8-60853143-ACATCT-A. GRCh37 (hg19) VCF-style: chr8-61765702-ACATCT-A.
Other names: c.1717-9085_1717-9081del (NM_001316690.1); short protein forms T2140fs.
Identifiers: ClinVar variation 3235916 (VCV003235916.1), dbSNP rs2488043393, ClinGen allele CA2825001592.